The following is an entry in ClinVar:

ClinVar aggregate classification (germline): Uncertain significance. Review status: criteria provided, multiple submitters, no conflicts (2 of 4 stars). 3 submissions from 3 submitters: Uncertain significance (3). Last evaluated 2026-02-02.

Conditions:
Autosomal dominant spastic paraplegia type 9. Identifiers: MedGen C1832669, MONDO:0015091.
de Barsy syndrome. Also called: Cutis laxa-corneal clouding-oligophrenia syndrome. Identifiers: Orphanet 2962, MedGen C0268354, MONDO:0017569.
Cutis laxa, autosomal dominant 3 (ADCL3). Identifiers: Orphanet 90348, MedGen C4225268, MONDO:0014706, OMIM 616603.
Inborn genetic diseases. Identifiers: MedGen C0950123, MeSH D030342.

Allele frequency attached by ClinVar (database versions not stated): ExAC 0.00006; gnomAD 0.00012 and 0.00014; gnomAD exomes 0.00002 and 0.00004; ESP Exome Variant Server 0.00015; TOPMed 0.00012.
gnomAD v4.1: 43 of 1,614,118 alleles (0.0027%); highest among the groups gnomAD compares: African/African-American, 0.043%; no homozygotes.

Submissions (3):

Labcorp Genetics (formerly Invitae), Labcorp
Classification: Uncertain significance for Autosomal dominant spastic paraplegia type 9; de Barsy syndrome; Cutis laxa, autosomal dominant 3. Last evaluated: 2026-02-02. Review status: criteria provided, single submitter. Criteria: Invitae Variant Classification Sherloc (09022015). Collection method: clinical testing. Allele origin: germline.
Comment: This sequence change replaces asparagine, which is neutral and polar, with serine, which is neutral and polar, at codon 329 of the ALDH18A1 protein (p.Asn329Ser). This variant is present in population databases (rs141291042, gnomAD 0.04%). This variant has not been reported in the literature in individuals affected with ALDH18A1-related conditions. ClinVar contains an entry for this variant (Variation ID: 1304593). Invitae Evidence Modeling of protein sequence and biophysical properties (such as structural, functional, and spatial information, amino acid conservation, physicochemical variation, residue mobility, and thermodynamic stability) indicates that this missense variant is not expected to disrupt ALDH18A1 protein function with a negative predictive value of 80%. In summary, the available evidence is currently insufficient to determine the role of this variant in disease. Therefore, it has been classified as a Variant of Uncertain Significance.

GeneDx
Classification: Uncertain significance. Last evaluated: 2022-01-26. Review status: criteria provided, single submitter. Criteria: GeneDx Variant Classification Process June 2021. Collection method: clinical testing. Allele origin: germline. Affected: yes.
Comment: Has not been previously published as pathogenic or benign to our knowledge; In silico analysis supports that this missense variant has a deleterious effect on protein structure/function

Ambry Genetics
Classification: Uncertain significance for Inborn genetic diseases. Last evaluated: 2021-06-11. Review status: criteria provided, single submitter. Criteria: Ambry Variant Classification Scheme 2023. Collection method: clinical testing. Allele origin: germline.

NM_002860.4(ALDH18A1):c.986A>G (p.Asn329Ser)

Gene: ALDH18A1 (aldehyde dehydrogenase 18 family member A1; minus strand). Cytogenetic location: 10q24.1.
Variant type: single nucleotide variant.
Coding change: c.986A>G on transcript NM_002860.4 (MANE Select); coding-DNA position 986, A replaced by G.
Protein change: p.Asn329Ser; replaces asparagine 329 with serine.
Molecular consequence: missense variant.
Genome position (GRCh38, 1-based): chr10:95,627,534, T>C on the plus strand (A>G on the coding strand, the complement: ALDH18A1 is on the minus strand). VCF-style: chr10-95627534-T-C. GRCh37 (hg19) VCF-style: chr10-97387291-T-C.
Other names: c.986A>G, p.Asn329Ser (NM_001323414.2, NM_001323413.2); c.980A>G, p.Asn327Ser (NM_001323415.2, NM_001017423.2); c.653A>G, p.Asn218Ser (NM_001323416.2, NM_001323412.2); c.881A>G, p.Asn294Ser (NM_001323417.2); c.647A>G, p.Asn216Ser (NM_001323418.2); c.350A>G, p.Asn117Ser (NM_001323419.2); short protein forms N117S, N216S, N218S, N294S, N327S, N329S.
Identifiers: ClinVar variation 1304593 (VCV001304593.9), dbSNP rs141291042, ClinGen allele CA5620452.